The following is an entry in ClinVar:

NM_032119.4(ADGRV1):c.17385C>T (p.Val5795=)

Gene: ADGRV1 (adhesion G protein-coupled receptor V1; plus strand). Cytogenetic location: 5q14.3.
Variant type: single nucleotide variant.
Coding change: c.17385C>T on transcript NM_032119.4 (MANE Select); coding-DNA position 17385, C replaced by T.
Protein change: p.Val5795=; no amino-acid change (valine 5795 retained).
Molecular consequence: synonymous variant. On other transcripts: non-coding transcript variant (1).
Genome position (GRCh38, 1-based): chr5:90,853,464, C>T. VCF-style: chr5-90853464-C-T. GRCh37 (hg19) VCF-style: chr5-90149281-C-T.
Other names: c.17385C>T (NM_032119.3).
Identifiers: ClinVar variation 1153319 (VCV001153319.11), dbSNP rs572908116, ClinGen allele CA122809819.
Genomic context (GRCh38, chr5:90,853,464, plus strand): 5'-GAGGCTACTGGATGTCCAGGATGCAGAAATAATGGCTGGGAAAAGTACATGTAAATTAGT[C>T]CAGTTTACAGAGTATAGCAGCCAACAGTGGTTTATAAGTGGAAACAATCTTCCTACCCTA-3'
Protein context (NP_115495.3, residues 5785-5805): IMAGKSTCKL[Val5795=]QFTEYSSQQW

ClinVar aggregate classification (germline): Likely benign. Review status: criteria provided, multiple submitters, no conflicts (2 of 4 stars). 3 submissions from 3 submitters: Likely benign (3). Last evaluated 2025-04-15.

Conditions:
ADGRV1-related disorder. Also called: ADGRV1-related disorders; ADGRV1-related condition.

Allele frequency attached by ClinVar (database versions not stated): gnomAD exomes 0.00001; 1000 Genomes Project 0.00020; 1000 Genomes Project 30x 0.00031.
gnomAD v4.1: 18 of 1,612,932 alleles (0.0011%); highest among the groups gnomAD compares: Admixed American, 0.005%; no homozygotes.

Submissions (3):

PreventionGenetics, part of Exact Sciences
Classification: Likely benign for ADGRV1-related condition. Last evaluated: 2025-04-15. Review status: criteria provided, single submitter. Criteria: ACMG Guidelines, 2015. Collection method: clinical testing. Allele origin: germline.
Comment: This variant is classified as likely benign based on ACMG/AMP sequence variant interpretation guidelines (Richards et al. 2015 PMID: 25741868, with internal and published modifications).

Blueprint Genetics
Classification: Likely benign. Last evaluated: 2024-10-31. Review status: criteria provided, single submitter. Criteria: ACMG Guidelines, 2015. Collection method: clinical testing. Allele origin: germline.

Labcorp Genetics (formerly Invitae), Labcorp
Classification: Likely benign. Last evaluated: 2024-05-15. Review status: criteria provided, single submitter. Criteria: Invitae Variant Classification Sherloc (09022015). Collection method: clinical testing. Allele origin: germline.